The following is an entry in ClinVar:

ClinVar aggregate classification (germline): Likely benign (1 of 4 stars; one submission).

Submission:

Molecular Diagnostic Laboratory for Inherited Cardiovascular Disease, Montreal Heart Institute
Classification: Likely benign. Last evaluated: 2026-09-21. Review status: criteria provided, single submitter. Criteria: ACMG Guidelines, 2015. Collection method: clinical testing. Allele origin: germline. Affected: no.
Comment: BP1

NM_001267550.2(TTN):c.4060G>A (p.Val1354Ile)

Genes: TTN (titin; minus strand), LOC101927055 (uncharacterized LOC101927055; plus strand). Cytogenetic location: 2q31.2.
Variant type: single nucleotide variant.
Coding change: c.4060G>A on transcript NM_001267550.2 (MANE Select); coding-DNA position 4060, G replaced by A.
Protein change: p.Val1354Ile; replaces valine 1354 with isoleucine.
Molecular consequence: missense variant.
Genome position (GRCh38, 1-based): chr2:178,779,022, C>T on the plus strand (G>A on the coding strand, the complement: TTN is on the minus strand). VCF-style: chr2-178779022-C-T. GRCh37 (hg19) VCF-style: chr2-179643749-C-T.
Other names: c.4060G>A, p.Val1354Ile (NM_133379.5, NM_001256850.1, NM_133378.4); c.3922G>A, p.Val1308Ile (NM_133432.3, NM_133437.4, NM_003319.4); short protein forms V1308I, V1354I.
Identifiers: ClinVar variation 5037829 (VCV005037829.1), dbSNP rs752889135.